The following is an entry in ClinVar:

NM_013339.4(ALG6):c.527G>T (p.Trp176Leu)

Gene: ALG6 (ALG6 alpha-1,3-glucosyltransferase; plus strand). Cytogenetic location: 1p31.3.
Variant type: single nucleotide variant.
Coding change: c.527G>T on transcript NM_013339.4 (MANE Select); coding-DNA position 527, G replaced by T.
Protein change: p.Trp176Leu; replaces tryptophan 176 with leucine.
Molecular consequence: missense variant.
Genome position (GRCh38, 1-based): chr1:63,411,178, G>T. VCF-style: chr1-63411178-G-T. GRCh37 (hg19) VCF-style: chr1-63876849-G-T.
Other names: short protein forms W176L.
Identifiers: ClinVar variation 728295 (VCV000728295.14), dbSNP rs773699560, ClinGen allele CA888199.
Genomic context (GRCh38, chr1:63,411,178, plus strand): 5'-TGAGATAATTTCCTTGACACAGGAACATATATAATTCTGTGAGTCTTGGCTTTGCTTTGT[G>T]GGGTGTTCTTGGAATATCTTGTGACTGCGACCTCCTAGGGTCACTGGCATTTTGCTTAGC-3'
Protein context (NP_037471.2, residues 166-186): YNSVSLGFAL[Trp176Leu]GVLGISCDCD

ClinVar aggregate classification (germline): Likely benign. Review status: criteria provided, multiple submitters, no conflicts (2 of 4 stars). 3 submissions from 3 submitters: Likely benign (2). 1 of the submissions does not count toward it. Last evaluated 2026-04-03.

Conditions:
ALG6-related disorder. Also called: ALG6-related condition.
ALG6-congenital disorder of glycosylation 1C (CDG1C). Also called: Congenital disorder of glycosylation, type Ic; CDG Ic; CARBOHYDRATE-DEFICIENT GLYCOPROTEIN SYNDROME, TYPE I, WITH DEFICIENT GLYCOSYLATION OF DOLICHOL-LINKED OLIGOSACCHARIDE; CARBOHYDRATE-DEFICIENT GLYCOPROTEIN SYNDROME, TYPE V; Congenital disorder of glycosylation type 1C. Identifiers: Orphanet 79320, MedGen C2930997, MONDO:0011291, OMIM 603147.

Allele frequency attached by ClinVar (database versions not stated): gnomAD 0.00007 and 0.00008; TOPMed 0.00010; ExAC 0.00016; gnomAD exomes 0.00020 and 0.00006.
gnomAD v4.1: 100 of 1,613,676 alleles (0.0062%); highest among the groups gnomAD compares: East Asian, 0.2%; no homozygotes.

Submissions (3):

PreventionGenetics, part of Exact Sciences
Classification: Likely benign for ALG6-related condition. Last evaluated: 2026-04-03. Review status: criteria provided, single submitter. Criteria: ACMG Guidelines, 2015. Collection method: clinical testing. Allele origin: germline.
Comment: This variant is classified as likely benign based on ACMG/AMP sequence variant interpretation guidelines (Richards et al. 2015 PMID: 25741868, with internal and published modifications).

Labcorp Genetics (formerly Invitae), Labcorp
Classification: Likely benign for ALG6-congenital disorder of glycosylation 1C. Last evaluated: 2026-02-01. Review status: criteria provided, single submitter. Criteria: Invitae Variant Classification Sherloc (09022015). Collection method: clinical testing. Allele origin: germline.

Natera, Inc.
Classification: Likely benign for Congenital disorder of glycosylation type 1c. Last evaluated: 2020-01-20. Review status: no assertion criteria provided. Collection method: clinical testing. Allele origin: germline. Not counted in ClinVar's aggregate classification.